The following is an entry in ClinVar:

ClinVar aggregate classification (germline): Uncertain significance (1 of 4 stars; one submission).

Conditions:
Oto-palato-digital syndrome, type II (OPD2). Also called: FACIOPALATOOSSEOUS SYNDROME; OPD II SYNDROME; Otopalatodigital Syndrome, Type II; Otopalatodigital Syndrome Type 2 (FLNA-OPD2). Identifiers: Orphanet 669, Orphanet 90652, MedGen C1844696, MONDO:0010571, OMIM 304120.
Heterotopia, periventricular, X-linked dominant (PVNH1). Also called: PERIVENTRICULAR NODULAR HETEROTOPIA 1; X-linked periventricular heterotopia; PERIVENTRICULAR NODULAR HETEROTOPIA 4; HETEROTOPIA, PERIVENTRICULAR, 1. Identifiers: Orphanet 2149, Orphanet 82004, MedGen C1848213, MONDO:0010233, OMIM 300049.
Frontometaphyseal dysplasia (FMD1). Identifiers: Orphanet 1826, MedGen C0265293, MONDO:0015942.
Melnick-Needles syndrome (MNS). Also called: MELNICK-NEEDLES OSTEODYSPLASTY; OSTEODYSPLASTY OF MELNICK AND NEEDLES; Melnick-Needles Syndrome (FLNA-MNS). Identifiers: Orphanet 2484, MedGen C0025237, MONDO:0010650, OMIM 309350.

Submission:

Labcorp Genetics (formerly Invitae), Labcorp
Classification: Uncertain significance for Oto-palato-digital syndrome, type II; Heterotopia, periventricular, X-linked dominant; Frontometaphyseal dysplasia; Melnick-Needles syndrome. Last evaluated: 2023-03-14. Review status: criteria provided, single submitter. Criteria: Invitae Variant Classification Sherloc (09022015). Collection method: clinical testing. Allele origin: germline.
Comment: This sequence change replaces glycine, which is neutral and non-polar, with arginine, which is basic and polar, at codon 2418 of the FLNA protein (p.Gly2418Arg). This variant is not present in population databases (gnomAD no frequency). This variant has not been reported in the literature in individuals affected with FLNA-related conditions. Advanced modeling of protein sequence and biophysical properties (such as structural, functional, and spatial information, amino acid conservation, physicochemical variation, residue mobility, and thermodynamic stability) performed at Invitae indicates that this missense variant is not expected to disrupt FLNA protein function. In summary, the available evidence is currently insufficient to determine the role of this variant in disease. Therefore, it has been classified as a Variant of Uncertain Significance.

NM_001110556.2(FLNA):c.7276G>A (p.Gly2426Arg)

Gene: FLNA (filamin A; minus strand). Cytogenetic location: Xq28.
Variant type: single nucleotide variant.
Coding change: c.7276G>A on transcript NM_001110556.2 (MANE Select); coding-DNA position 7276, G replaced by A.
Protein change: p.Gly2426Arg; replaces glycine 2426 with arginine.
Molecular consequence: missense variant.
Genome position (GRCh38, 1-based): chrX:154,350,088, C>T on the plus strand (G>A on the coding strand, the complement: FLNA is on the minus strand). VCF-style: chrX-154350088-C-T. GRCh37 (hg19) VCF-style: chrX-153578456-C-T.
Other names: c.7252G>A, p.Gly2418Arg (NM_001456.4); short protein forms G2418R, G2426R.
Identifiers: ClinVar variation 2945237 (VCV002945237.3), dbSNP rs2522714841, ClinGen allele CA415183828.